The following is an entry in ClinVar:

NM_001146079.2(CLDN14):c.591G>A (p.Pro197=)

Genes: CLDN14 (claudin 14; minus strand), CLDN14-AS1 (CLDN14 antisense RNA 1; plus strand). Cytogenetic location: 21q22.13.
Variant type: single nucleotide variant.
Coding change: c.591G>A on transcript NM_001146079.2 (MANE Select); coding-DNA position 591, G replaced by A.
Protein change: p.Pro197=; no amino-acid change (proline 197 retained).
Molecular consequence: synonymous variant.
Genome position (GRCh38, 1-based): chr21:36,461,105, C>T on the plus strand (G>A on the coding strand, the complement: CLDN14 is on the minus strand). VCF-style: chr21-36461105-C-T. GRCh37 (hg19) VCF-style: chr21-37833403-C-T.
Other names: c.591G>A, p.Pro197= (NM_001146077.2, NM_001146078.3, NM_012130.4 and 1 more transcripts).
Identifiers: ClinVar variation 748472 (VCV000748472.31), dbSNP rs374840285, ClinGen allele CA10019221.

ClinVar aggregate classification (germline): Benign/Likely benign. Review status: criteria provided, multiple submitters, no conflicts (2 of 4 stars). 3 submissions from 3 submitters: Benign (1); Likely benign (2). Last evaluated 2025-02-16.

Allele frequency attached by ClinVar (database versions not stated): gnomAD exomes 0.00003; ExAC 0.00004; ESP Exome Variant Server 0.00008; gnomAD 0.00010; TOPMed 0.00010; 1000 Genomes Project 30x 0.00016; 1000 Genomes Project 0.00020.
gnomAD v4.1: 36 of 1,614,094 alleles (0.0022%); highest among the groups gnomAD compares: African/African-American, 0.013%; no homozygotes.

Submissions (3):

Laboratory of Genetics, Children's Clinical University Hospital Latvia
Classification: Benign. Last evaluated: 2025-02-16. Review status: criteria provided, single submitter. Criteria: ACMG Guidelines, 2015. Collection method: clinical testing. Allele origin: germline. Affected: yes.

CeGaT Center for Human Genetics Tuebingen
Classification: Likely benign. Last evaluated: 2024-02-01. Review status: criteria provided, single submitter. Criteria: CeGaT Center For Human Genetics Tuebingen Variant Classification Criteria Version 2. Collection method: clinical testing. Allele origin: germline. Affected: yes. Observed: 1 variant allele.
Comment: CLDN14: BP4, BP7

Labcorp Genetics (formerly Invitae), Labcorp
Classification: Likely benign. Last evaluated: 2023-02-06. Review status: criteria provided, single submitter. Criteria: Invitae Variant Classification Sherloc (09022015). Collection method: clinical testing. Allele origin: germline.